The following is an entry in ClinVar:

NM_003676.4(DEGS1):c.71G>A (p.Arg24Gln)

Gene: DEGS1 (delta 4-desaturase, sphingolipid 1; plus strand). Cytogenetic location: 1q42.11.
Variant type: single nucleotide variant.
Coding change: c.71G>A on transcript NM_003676.4 (MANE Select); coding-DNA position 71, G replaced by A.
Protein change: p.Arg24Gln; replaces arginine 24 with glutamine.
Molecular consequence: missense variant.
Genome position (GRCh38, 1-based): chr1:224,183,407, G>A. VCF-style: chr1-224183407-G-A. GRCh37 (hg19) VCF-style: chr1-224371109-G-A.
Other names: c.71G>A, p.Arg24Gln (NM_001321541.2); short protein forms R24Q.
Identifiers: ClinVar variation 4709120 (VCV004709120.1).

ClinVar aggregate classification (germline): Uncertain significance (1 of 4 stars; one submission).

gnomAD v4.1: 4 of 1,423,768 alleles (0.00028%); highest among the groups gnomAD compares: Non-Finnish European, 0.00019%; no homozygotes.

Submission:

Labcorp Genetics (formerly Invitae), Labcorp
Classification: Uncertain significance. Last evaluated: 2025-06-22. Review status: criteria provided, single submitter. Criteria: Invitae Variant Classification Sherloc (09022015). Collection method: clinical testing. Allele origin: germline.
Comment: This sequence change replaces arginine, which is basic and polar, with glutamine, which is neutral and polar, at codon 24 of the DEGS1 protein (p.Arg24Gln). The frequency data for this variant in the population databases is considered unreliable, as metrics indicate poor data quality at this position in the gnomAD database. This variant has not been reported in the literature in individuals affected with DEGS1-related conditions. Invitae Evidence Modeling of protein sequence and biophysical properties (such as structural, functional, and spatial information, amino acid conservation, physicochemical variation, residue mobility, and thermodynamic stability) indicates that this missense variant is not expected to disrupt DEGS1 protein function with a negative predictive value of 80%. In summary, the available evidence is currently insufficient to determine the role of this variant in disease. Therefore, it has been classified as a Variant of Uncertain Significance.